The following is an entry in ClinVar:

ClinVar aggregate classification (germline): Pathogenic (1 of 4 stars; one submission).

Conditions:
RYR1-related disorder. Also called: RYR1-related condition; RYR1-related disorders. Identifiers: MedGen CN239331.

Submission:

Labcorp Genetics (formerly Invitae), Labcorp
Classification: Pathogenic for RYR1-related disorder. Last evaluated: 2022-04-29. Review status: criteria provided, single submitter. Criteria: Invitae Variant Classification Sherloc (09022015). Collection method: clinical testing. Allele origin: germline.
Comment: For these reasons, this variant has been classified as Pathogenic. This variant has not been reported in the literature in individuals affected with RYR1-related conditions. This variant is not present in population databases (gnomAD no frequency). This sequence change creates a premature translational stop signal (p.Gln1243Serfs*29) in the RYR1 gene. It is expected to result in an absent or disrupted protein product. Loss-of-function variants in RYR1 are known to be pathogenic (PMID: 20583297, 20839240, 23919265, 28818389).

Literature cited by the submitters: PubMed 20583297; PubMed 20839240; PubMed 23919265; PubMed 28818389.

NM_000540.3(RYR1):c.3727del (p.Gln1243fs)

Gene: RYR1 (ryanodine receptor 1; plus strand). Cytogenetic location: 19q13.2.
Variant type: Deletion.
Coding change: c.3727del on transcript NM_000540.3 (MANE Select); coding-DNA position 3727, one base deleted (C; older notation c.3727delC).
Protein change: p.Gln1243fs; shifts the reading frame from glutamine 1243.
Molecular consequence: frameshift variant.
Genome position (GRCh38, 1-based): chr19:38,469,475, C deleted; the last of 4 consecutive C bases (chr19:38,469,472-38,469,475); deleting any one gives the same sequence. VCF-style (leftmost placement, unchanged base first): chr19-38469471-GC-G. GRCh37 (hg19) VCF-style: chr19-38960111-GC-G.
Other names: c.3727del, p.Gln1243fs (NM_001042723.2); short protein forms Q1243fs.
Identifiers: ClinVar variation 2131725 (VCV002131725.4), dbSNP rs2514117907, ClinGen allele CA2580096920.